The following is an entry in ClinVar:

ClinVar aggregate classification (germline): Uncertain significance. Review status: criteria provided, multiple submitters, no conflicts (2 of 4 stars). 3 submissions from 3 submitters: Uncertain significance (3). Last evaluated 2025-08-21.

Conditions:
Inborn genetic diseases. Identifiers: MedGen C0950123, MeSH D030342.

Allele frequency attached by ClinVar (database versions not stated): 1000 Genomes Project 0.00060; gnomAD exomes 0.00003 and 0.00009; ExAC 0.00010; ESP Exome Variant Server 0.00023; gnomAD 0.00032 and 0.00036; TOPMed 0.00043; 1000 Genomes Project 30x 0.00047.
gnomAD v4.1: 97 of 1,609,762 alleles (0.006%); highest among the groups gnomAD compares: African/African-American, 0.11%; no homozygotes.

Submissions (3):

Ambry Genetics
Classification: Uncertain significance for Inborn genetic diseases. Last evaluated: 2025-08-21. Review status: criteria provided, single submitter. Criteria: Ambry Variant Classification Scheme 2023. Collection method: clinical testing. Allele origin: germline.

Labcorp Genetics (formerly Invitae), Labcorp
Classification: Uncertain significance. Last evaluated: 2021-10-06. Review status: criteria provided, single submitter. Criteria: Invitae Variant Classification Sherloc (09022015). Collection method: clinical testing. Allele origin: germline.
Comment: This sequence change replaces asparagine with serine at codon 435 of the RSPRY1 protein (p.Asn435Ser). The asparagine residue is weakly conserved and there is a small physicochemical difference between asparagine and serine. This variant is present in population databases (rs138832424, ExAC 0.1%). This variant has not been reported in the literature in individuals affected with RSPRY1-related conditions. Algorithms developed to predict the effect of missense changes on protein structure and function (SIFT, PolyPhen-2, Align-GVGD) all suggest that this variant is likely to be tolerated. In summary, the available evidence is currently insufficient to determine the role of this variant in disease. Therefore, it has been classified as a Variant of Uncertain Significance.

Breakthrough Genomics
Classification: Uncertain significance. Review status: criteria provided, single submitter. Criteria: ACMG Guidelines, 2015. Collection method: not provided. Allele origin: germline. Inheritance: Autosomal recessive inheritance. Affected: yes.

NM_133368.3(RSPRY1):c.1304A>G (p.Asn435Ser)

Gene: RSPRY1 (ring finger and SPRY domain containing 1; plus strand). Cytogenetic location: 16q13.
Variant type: single nucleotide variant.
Coding change: c.1304A>G on transcript NM_133368.3 (MANE Select); coding-DNA position 1304, A replaced by G.
Protein change: p.Asn435Ser; replaces asparagine 435 with serine.
Molecular consequence: missense variant.
Genome position (GRCh38, 1-based): chr16:57,230,741, A>G. VCF-style: chr16-57230741-A-G. GRCh37 (hg19) VCF-style: chr16-57264653-A-G.
Other names: c.1304A>G (NM_133368.1); c.1304A>G, p.Asn435Ser (NM_001305163.2, NM_001305164.2); short protein forms N435S.
Identifiers: ClinVar variation 1442727 (VCV001442727.5), dbSNP rs138832424, ClinGen allele CA8074700.